The following is an entry in ClinVar:

NM_006230.4(POLD2):c.1109G>A (p.Arg370Gln)

Gene: POLD2 (DNA polymerase delta 2, accessory subunit; minus strand). Cytogenetic location: 7p13.
Variant type: single nucleotide variant.
Coding change: c.1109G>A on transcript NM_006230.4 (MANE Select); coding-DNA position 1109, G replaced by A.
Protein change: p.Arg370Gln; replaces arginine 370 with glutamine.
Molecular consequence: missense variant.
Genome position (GRCh38, 1-based): chr7:44,115,804, C>T on the plus strand (G>A on the coding strand, the complement: POLD2 is on the minus strand). VCF-style: chr7-44115804-C-T. GRCh37 (hg19) VCF-style: chr7-44155403-C-T.
Other names: c.1109G>A, p.Arg370Gln (NM_001127218.3, NM_001256879.2); short protein forms R370Q.
Identifiers: ClinVar variation 3699888 (VCV003699888.2).

ClinVar aggregate classification (germline): Uncertain significance (1 of 4 stars; one submission).

gnomAD v4.1: 36 of 1,614,072 alleles (0.0022%); highest among the groups gnomAD compares: Admixed American, 0.005%; no homozygotes.

Submission:

Labcorp Genetics (formerly Invitae), Labcorp
Classification: Uncertain significance. Last evaluated: 2025-08-12. Review status: criteria provided, single submitter. Criteria: Invitae Variant Classification Sherloc (09022015). Collection method: clinical testing. Allele origin: germline.
Comment: This sequence change replaces arginine, which is basic and polar, with glutamine, which is neutral and polar, at codon 405 of the POLD2 protein (p.Arg405Gln). This variant is present in population databases (no rsID available, gnomAD 0.003%). This variant has not been reported in the literature in individuals affected with POLD2-related conditions. ClinVar contains an entry for this variant (Variation ID: 3699888). An algorithm developed to predict the effect of missense changes on protein structure and function outputs the following: PolyPhen-2: "Not Available". The glutamine amino acid residue is found in multiple mammalian species, which suggests that this missense change does not adversely affect protein function. Algorithms developed to predict the effect of sequence changes on RNA splicing suggest that this variant may disrupt the consensus splice site. In summary, the available evidence is currently insufficient to determine the role of this variant in disease. Therefore, it has been classified as a Variant of Uncertain Significance.